The following is an entry in ClinVar:

NM_053025.4(MYLK):c.5121C>T (p.Arg1707=)

Genes: MYLK (myosin light chain kinase; minus strand), MYLK-AS1 (MYLK antisense RNA 1; plus strand). Cytogenetic location: 3q21.1.
Variant type: single nucleotide variant.
Coding change: c.5121C>T on transcript NM_053025.4 (MANE Select); coding-DNA position 5121, C replaced by T.
Protein change: p.Arg1707=; no amino-acid change (arginine 1707 retained).
Molecular consequence: synonymous variant.
Genome position (GRCh38, 1-based): chr3:123,626,935, G>A on the plus strand (C>T on the coding strand, the complement: MYLK is on the minus strand). VCF-style: chr3-123626935-G-A. GRCh37 (hg19) VCF-style: chr3-123345782-G-A.
Other names: c.4593C>T, p.Arg1531= (NM_001321309.2); c.4914C>T, p.Arg1638= (NM_053026.4); c.4968C>T, p.Arg1656= (NM_053027.4); c.4761C>T, p.Arg1587= (NM_053028.4).
Identifiers: ClinVar variation 415758 (VCV000415758.28), dbSNP rs144436556, ClinGen allele CA072559.
Genomic context (GRCh38, chr3:123,626,935, plus strand): 5'-CTCCATGTTCTTGGTATCTTTCATTAGCCATGGATGCTGAAGGCACTGCGTGCAGTCCAG[G>A]CGGTTTCTGACAGAGGCAGAGATCAGGAGATTTTTGAGCAGGAGGAGACCTCAGAGACCA-3'
Protein context (NP_444253.3, residues 1697-1717): SNLLKKDMKN[Arg1707=]LDCTQCLQHP

ClinVar aggregate classification (germline): Benign/Likely benign. Review status: criteria provided, multiple submitters, no conflicts (2 of 4 stars). 9 submissions from 9 submitters: Benign (1); Likely benign (8). Last evaluated 2026-03-27.

Conditions:
Familial thoracic aortic aneurysm and aortic dissection (TAAD). Also called: Thoracic aortic aneurysms and dissections. Identifiers: Orphanet 91387, MedGen C4707243, MONDO:0019625.
Aortic aneurysm, familial thoracic 7 (AAT7). Also called: AORTIC DISSECTION, FAMILIAL, WITH OR WITHOUT AORTIC ANEURYSM. Identifiers: MedGen C3151077, MONDO:0013418, OMIM 613780.

Allele frequency attached by ClinVar (database versions not stated): gnomAD 0.00021 and 0.00022; ESP Exome Variant Server 0.00023; ExAC 0.00012; gnomAD exomes 0.00013 and 0.00015; TOPMed 0.00017.
gnomAD v4.1: 250 of 1,614,054 alleles (0.015%); highest among the groups gnomAD compares: Admixed American, 0.032%; no homozygotes.

Submissions (9):

Molecular Diagnostic Laboratory for Inherited Cardiovascular Disease, Montreal Heart Institute
Classification: Likely benign. Last evaluated: 2026-03-27. Review status: criteria provided, single submitter. Criteria: ACMG Guidelines, 2015. Collection method: clinical testing. Allele origin: germline. Affected: no.
Comment: BS1;BP7

Labcorp Genetics (formerly Invitae), Labcorp
Classification: Likely benign for Aortic aneurysm, familial thoracic 7. Last evaluated: 2026-01-23. Review status: criteria provided, single submitter. Criteria: Invitae Variant Classification Sherloc (09022015). Collection method: clinical testing. Allele origin: germline.

CeGaT Center for Human Genetics Tuebingen
Classification: Likely benign. Last evaluated: 2025-11-01. Review status: criteria provided, single submitter. Criteria: CeGaT Center For Human Genetics Tuebingen Variant Classification Criteria Version 2. Collection method: clinical testing. Allele origin: germline. Affected: yes. Observed: 1 variant allele.
Comment: MYLK: BP4, BP7

Blueprint Genetics
Classification: Likely benign. Last evaluated: 2024-10-14. Review status: criteria provided, single submitter. Criteria: ACMG Guidelines, 2015. Collection method: clinical testing. Allele origin: germline.

ARUP Laboratories, Molecular Genetics and Genomics, ARUP Laboratories
Classification: Likely benign. Last evaluated: 2023-09-25. Review status: criteria provided, single submitter. Criteria: ARUP Molecular Germline Variant Investigation Process 2024. Collection method: clinical testing. Allele origin: germline.

GeneDx
Classification: Likely benign. Last evaluated: 2021-06-22. Review status: criteria provided, single submitter. Criteria: GeneDx Variant Classification Process June 2021. Collection method: clinical testing. Allele origin: germline. Affected: yes.

Women's Health and Genetics/Laboratory Corporation of America, LabCorp
Classification: Benign. Last evaluated: 2020-02-15. Review status: criteria provided, single submitter. Criteria: LabCorp Variant Classification Summary - May 2015. Collection method: clinical testing. Allele origin: germline.

CHEO Genetics Diagnostic Laboratory, Children's Hospital of Eastern Ontario
Classification: Likely benign for Familial thoracic aortic aneurysm and aortic dissection. Last evaluated: 2018-10-25. Review status: criteria provided, single submitter. Criteria: ACMG Guidelines, 2015. Collection method: clinical testing. Allele origin: germline.

Ambry Genetics
Classification: Likely benign for Familial thoracic aortic aneurysm and aortic dissection. Last evaluated: 2016-10-14. Review status: criteria provided, single submitter. Criteria: Ambry Variant Classification Scheme 2023. Collection method: clinical testing. Allele origin: germline.